The following is an entry in ClinVar:

ClinVar aggregate classification (germline): Uncertain significance (1 of 4 stars; one submission).

Conditions:
Hereditary diffuse gastric adenocarcinoma (HDGC). Also called: DIFFUSE GASTRIC AND LOBULAR BREAST CANCER SYNDROME. Identifiers: Orphanet 26106, MedGen C1708349, MONDO:0007648, OMIM 137215.

Submission:

Labcorp Genetics (formerly Invitae), Labcorp
Classification: Uncertain significance for Hereditary diffuse gastric adenocarcinoma. Last evaluated: 2020-07-12. Review status: criteria provided, single submitter. Criteria: Invitae Variant Classification Sherloc (09022015). Collection method: clinical testing. Allele origin: germline.
Comment: In summary, the available evidence is currently insufficient to determine the role of this variant in disease. Therefore, it has been classified as a Variant of Uncertain Significance. Algorithms developed to predict the effect of missense changes on protein structure and function (SIFT, PolyPhen-2, Align-GVGD) all suggest that this variant is likely to be disruptive, but these predictions have not been confirmed by published functional studies and their clinical significance is uncertain. This variant has not been reported in the literature in individuals with CDH1-related conditions. This variant is not present in population databases (ExAC no frequency). This sequence change replaces valine with leucine at codon 456 of the CDH1 protein (p.Val456Leu). The valine residue is highly conserved and there is a small physicochemical difference between valine and leucine.

NM_004360.5(CDH1):c.1366G>C (p.Val456Leu)

Gene: CDH1 (cadherin 1; plus strand). Cytogenetic location: 16q22.1.
Variant type: single nucleotide variant.
Coding change: c.1366G>C on transcript NM_004360.5 (MANE Select); coding-DNA position 1366, G replaced by C.
Protein change: p.Val456Leu; replaces valine 456 with leucine.
Molecular consequence: missense variant. On other transcripts: 5 prime UTR variant (2).
Genome position (GRCh38, 1-based): chr16:68,815,560, G>C. VCF-style: chr16-68815560-G-C. GRCh37 (hg19) VCF-style: chr16-68849463-G-C.
Other names: c.1183G>C, p.Val395Leu (NM_001317184.2); c.-183G>C (NM_001317185.2); c.-454G>C (NM_001317186.2); short protein forms V395L, V456L.
Identifiers: ClinVar variation 1035795 (VCV001035795.9), dbSNP rs974965262, ClinGen allele CA396462795.
Genomic context (GRCh38, chr16:68,815,560, plus strand): 5'-GTTTCTGCTCTCTAGGGCTTGGATTTTGAGGCCAAGCAGCAGTACATTCTACACGTAGCA[G>C]TGACGAATGTGGTACCTTTTGAGGTCTCTCTCACCACCTCCACAGCCACCGTCACCGTGG-3'
Protein context (NP_004351.1, residues 446-466): AKQQYILHVA[Val456Leu]TNVVPFEVSL